The following is an entry in ClinVar:

ClinVar aggregate classification (germline): Conflicting classifications of pathogenicity. Review status: criteria provided, conflicting classifications (1 of 4 stars). 3 submissions from 3 submitters: Uncertain significance (2); Likely benign (1). Last evaluated 2025-07-14.

Conditions:
Idiopathic generalized epilepsy. Also called: Generalised epilepsy; EIG. Identifiers: MedGen C0270850, MONDO:0005579, OMIM 600669.
Hyperaldosteronism, familial, type IV (HALD4). Also called: FH IV; ALDOSTERONISM, PRIMARY, AND HYPERTENSION. Identifiers: Orphanet 642671, MedGen C4310756, MONDO:0014875, OMIM 617027.
Epilepsy, childhood absence, susceptibility to, 6. Identifiers: Orphanet 64280, MedGen C2749872, MONDO:0012763, OMIM 611942.

gnomAD v4.1: 14 of 1,608,222 alleles (0.00087%); highest among the groups gnomAD compares: East Asian, 0.0067%; no homozygotes.

Submissions (3):

Labcorp Genetics (formerly Invitae), Labcorp
Classification: Likely benign for Idiopathic generalized epilepsy; Hyperaldosteronism, familial, type IV. Last evaluated: 2025-07-14. Review status: criteria provided, single submitter. Criteria: Invitae Variant Classification Sherloc (09022015). Collection method: clinical testing. Allele origin: germline.

GeneDx
Classification: Uncertain significance. Last evaluated: 2024-06-21. Review status: criteria provided, single submitter. Criteria: GeneDx Variant Classification Process June 2021. Collection method: clinical testing. Allele origin: germline. Affected: yes.
Comment: Not observed at significant frequency in large population cohorts (gnomAD); In silico analysis supports that this missense variant has a deleterious effect on protein structure/function; Has not been previously published as pathogenic or benign to our knowledge

Fulgent Genetics
Classification: Uncertain significance for Epilepsy, childhood absence, susceptibility to, 6; Hyperaldosteronism, familial, type IV. Last evaluated: 2024-01-24. Review status: criteria provided, single submitter. Criteria: ACMG Guidelines, 2015. Collection method: clinical testing. Allele origin: germline.

NM_021098.3(CACNA1H):c.2584G>T (p.Gly862Cys)

Gene: CACNA1H (calcium voltage-gated channel subunit alpha1 H; plus strand). Cytogenetic location: 16p13.3.
Variant type: single nucleotide variant.
Coding change: c.2584G>T on transcript NM_021098.3 (MANE Select); coding-DNA position 2584, G replaced by T.
Protein change: p.Gly862Cys; replaces glycine 862 with cysteine.
Molecular consequence: missense variant.
Genome position (GRCh38, 1-based): chr16:1,205,246, G>T. VCF-style: chr16-1205246-G-T. GRCh37 (hg19) VCF-style: chr16-1255246-G-T.
Other names: c.2584G>T, p.Gly862Cys (NM_001005407.2); short protein forms G862C.
Identifiers: ClinVar variation 862405 (VCV000862405.9), dbSNP rs747426357, ClinGen allele CA7800344.
Genomic context (GRCh38, chr16:1,205,246, plus strand): 5'-CTGAAGCTGCTGGCCTGCGGCCCTCTGGGCTACATCCGGAACCCGTACAACATCTTCGAC[G>T]GCATCATCGTGGTCATCAGGTGGGTCCCCACCCTCTCCCCAGGAAGAGGGGCCCGGGAAG-3'
Protein context (NP_066921.2, residues 852-872): YIRNPYNIFD[Gly862Cys]IIVVISVWEI